The following is an entry in ClinVar:

ClinVar aggregate classification (germline): Benign. Review status: criteria provided, multiple submitters, no conflicts (2 of 4 stars). 5 submissions from 5 submitters: Benign (4). 1 of the submissions does not count toward it. Last evaluated 2026-02-01.

Conditions:
YARS2-related disorder. Also called: YARS2-related condition.
Myopathy, lactic acidosis, and sideroblastic anemia 2 (MLASA2). Identifiers: Orphanet 2598, MedGen C3150802, MONDO:0013307, OMIM 613561.

Allele frequency attached by ClinVar (database versions not stated): ESP Exome Variant Server 0.00139; gnomAD 0.00157 and 0.00217; TOPMed 0.00176; gnomAD exomes 0.00305 and 0.00384; ExAC 0.00414; 1000 Genomes Project 30x 0.00687; 1000 Genomes Project 0.00719.
gnomAD v4.1: 4,853 of 1,613,624 alleles (0.3%); highest among the groups gnomAD compares: South Asian, 1.7%; 42 homozygotes.

Submissions (5):

Labcorp Genetics (formerly Invitae), Labcorp
Classification: Benign. Last evaluated: 2026-02-01. Review status: criteria provided, single submitter. Criteria: Invitae Variant Classification Sherloc (09022015). Collection method: clinical testing. Allele origin: germline.

Mayo Clinic Laboratories, Mayo Clinic
Classification: Benign. Last evaluated: 2025-09-22. Review status: criteria provided, single submitter. Criteria: ACMG Guidelines, 2015. Collection method: clinical testing. Allele origin: germline. Observed: 11 variant alleles.
Comment: BS1, BS2

Illumina Laboratory Services, Illumina
Classification: Benign for Myopathy, lactic acidosis, and sideroblastic anemia 2. Last evaluated: 2018-01-13. Review status: criteria provided, single submitter. Criteria: ICSL Variant Classification Criteria 13 December 2019. Collection method: clinical testing. Allele origin: germline.
Comment: This variant was observed in the ICSL laboratory as part of a predisposition screen in an ostensibly healthy population. It had not been previously curated by ICSL or reported in the Human Gene Mutation Database (HGMD: prior to June 1st, 2018), and was therefore a candidate for classification through an automated scoring system. Utilizing variant allele frequency, disease prevalence and penetrance estimates, and inheritance mode, an automated score was calculated to assess if this variant is too frequent to cause the disease. Based on the score and internal cut-off values, a variant classified as benign is not then subjected to further curation. The score for this variant resulted in a classification of benign for this disease.

GeneDx
Classification: Benign. Last evaluated: 2013-06-19. Review status: criteria provided, single submitter. Criteria: GeneDx Variant Classification (06012015). Collection method: clinical testing. Allele origin: germline. Affected: yes.
Comment: This variant is considered likely benign or benign based on one or more of the following criteria: it is a conservative change, it occurs at a poorly conserved position in the protein, it is predicted to be benign by multiple in silico algorithms, and/or has population frequency not consistent with disease.

PreventionGenetics, part of Exact Sciences
Classification: Benign for YARS2-related condition. Last evaluated: 2019-06-13. Review status: no assertion criteria provided. Collection method: clinical testing. Allele origin: germline. Not counted in ClinVar's aggregate classification.
Comment: This variant is classified as benign based on ACMG/AMP sequence variant interpretation guidelines (Richards et al. 2015 PMID: 25741868, with internal and published modifications).

NM_001040436.3(YARS2):c.456G>A (p.Ala152=)

Gene: YARS2 (tyrosyl-tRNA synthetase 2; minus strand). Cytogenetic location: 12p11.21.
Variant type: single nucleotide variant.
Coding change: c.456G>A on transcript NM_001040436.3 (MANE Select); coding-DNA position 456, G replaced by A.
Protein change: p.Ala152=; no amino-acid change (alanine 152 retained).
Molecular consequence: synonymous variant.
Genome position (GRCh38, 1-based): chr12:32,755,419, C>T on the plus strand (G>A on the coding strand, the complement: YARS2 is on the minus strand). VCF-style: chr12-32755419-C-T. GRCh37 (hg19) VCF-style: chr12-32908353-C-T.
Other names: p.A152A:GCG>GCA; p.Ala152=.
Identifiers: ClinVar variation 137934 (VCV000137934.18), dbSNP rs201940521, ClinGen allele CA291651.